The following is an entry in ClinVar:

ClinVar aggregate classification (germline): Uncertain significance (1 of 4 stars; one submission).

gnomAD v4.1: 2 of 1,614,052 alleles (0.00012%); highest among the groups gnomAD compares: Non-Finnish European, 0.00017%; no homozygotes.

Submission:

Labcorp Genetics (formerly Invitae), Labcorp
Classification: Uncertain significance. Last evaluated: 2025-11-17. Review status: criteria provided, single submitter. Criteria: Invitae Variant Classification Sherloc (09022015). Collection method: clinical testing. Allele origin: germline.
Comment: This sequence change replaces alanine, which is neutral and non-polar, with glutamic acid, which is acidic and polar, at codon 751 of the A2ML1 protein (p.Ala751Glu). This variant is present in population databases (rs61741216, gnomAD 0.0009%). This variant has not been reported in the literature in individuals affected with A2ML1-related conditions. An algorithm developed to predict the effect of missense changes on protein structure and function (PolyPhen-2) suggests that this variant is likely to be tolerated. In summary, the available evidence is currently insufficient to determine the role of this variant in disease. Therefore, it has been classified as a Variant of Uncertain Significance.

NM_144670.6(A2ML1):c.2252C>A (p.Ala751Glu)

Gene: A2ML1 (alpha-2-macroglobulin like 1; plus strand). Cytogenetic location: 12p13.31.
Variant type: single nucleotide variant.
Coding change: c.2252C>A on transcript NM_144670.6 (MANE Select); coding-DNA position 2252, C replaced by A.
Protein change: p.Ala751Glu; replaces alanine 751 with glutamic acid.
Molecular consequence: missense variant.
Genome position (GRCh38, 1-based): chr12:8,851,801, C>A. VCF-style: chr12-8851801-C-A. GRCh37 (hg19) VCF-style: chr12-9004397-C-A.
Other names: c.779C>A, p.Ala260Glu (NM_001282424.3); short protein forms A260E, A751E.
Identifiers: ClinVar variation 4799743 (VCV004799743.1).